The following is an entry in ClinVar:

NM_005343.4(HRAS):c.369C>T (p.Arg123=)

Genes: HRAS (HRas proto-oncogene, GTPase; minus strand), LRRC56 (leucine rich repeat containing 56; plus strand). Cytogenetic location: 11p15.5.
Variant type: single nucleotide variant.
Coding change: c.369C>T on transcript NM_005343.4 (MANE Select); coding-DNA position 369, C replaced by T.
Protein change: p.Arg123=; no amino-acid change (arginine 123 retained).
Molecular consequence: synonymous variant. On other transcripts: missense variant (1).
Genome position (GRCh38, 1-based): chr11:533,534, G>A on the plus strand (C>T on the coding strand, the complement: HRAS is on the minus strand). VCF-style: chr11-533534-G-A. GRCh37 (hg19) VCF-style: chr11-533534-G-A.
Other names: NM_005343.3(HRAS):c.369C>T; c.369C>T, p.Arg123= (NM_001130442.3, NM_176795.5); c.50C>T, p.Ala17Val (NM_001318054.2); short protein forms A17V.
Identifiers: ClinVar variation 259747 (VCV000259747.46), dbSNP rs200945755, ClinGen allele CA5779327.

ClinVar aggregate classification (germline): Benign. Review status: reviewed by expert panel (3 of 4 stars). 10 submissions from 10 submitters: Benign (1). 9 of the submissions do not count toward it. Last evaluated 2017-04-18.

Conditions:
Noonan syndrome and Noonan-related syndrome. Identifiers: Orphanet 98733, MedGen C5681679, MONDO:0020297.
Cardiovascular phenotype. Identifiers: MedGen CN230736.
Hereditary cancer-predisposing syndrome. Also called: Tumor predisposition; Hereditary Cancer Syndrome; Neoplastic Syndromes, Hereditary; Hereditary neoplastic syndrome. Identifiers: Orphanet 140162, MedGen C0027672, MeSH D009386, MONDO:0015356.
RASopathy. Also called: Noonan spectrum disorder; rasopathies. Identifiers: Orphanet 536391, MedGen C5555857, MONDO:0021060.
Costello syndrome (CSTLO). Also called: FCS SYNDROME; FACIOCUTANEOSKELETAL SYNDROME; HRAS-Related Costello Syndrome. Identifiers: Orphanet 3071, MedGen C0587248, MONDO:0009026, OMIM 218040.

Allele frequency attached by ClinVar (database versions not stated): 1000 Genomes Project 30x 0.00047; 1000 Genomes Project 0.00060; gnomAD 0.00006 and 0.00009; ExAC 0.00011; TOPMed 0.00015; gnomAD exomes 0.00017.
gnomAD v4.1: 113 of 1,613,848 alleles (0.007%); highest among the groups gnomAD compares: East Asian, 0.24%; 1 homozygote.

Submissions (10):

ClinGen RASopathy Variant Curation Expert Panel
Classification: Benign for Noonan syndrome and Noonan-related syndrome. Last evaluated: 2017-04-18. Review status: reviewed by expert panel. Criteria: ClinGen RASopathy ACMG Specifications v1. Collection method: curation. Allele origin: germline. Inheritance: Autosomal dominant inheritance.
Comment: The filtering allele frequency of the c.369C>T (p.Arg123=) variant in the HRAS gene is 0.089% (13/8638) of East Asian chromosomes by the Exome Aggregation Consortium, which is a high enough frequency to be classified as benign based on thresholds defined by the ClinGen RASopathy Expert Panel (BA1; PMID:29493581)

Labcorp Genetics (formerly Invitae), Labcorp
Classification: Benign for Costello syndrome. Last evaluated: 2026-01-21. Review status: criteria provided, single submitter. Criteria: Invitae Variant Classification Sherloc (09022015). Collection method: clinical testing. Allele origin: germline. Not counted in ClinVar's aggregate classification.

Blueprint Genetics
Classification: Benign. Last evaluated: 2024-02-05. Review status: criteria provided, single submitter. Criteria: ACMG Guidelines, 2015. Collection method: clinical testing. Allele origin: germline. Not counted in ClinVar's aggregate classification.

ARUP Laboratories, Molecular Genetics and Genomics, ARUP Laboratories
Classification: Benign. Last evaluated: 2023-09-20. Review status: criteria provided, single submitter. Criteria: ARUP Molecular Germline Variant Investigation Process 2024. Collection method: clinical testing. Allele origin: germline. Not counted in ClinVar's aggregate classification.

CeGaT Center for Human Genetics Tuebingen
Classification: Likely benign. Last evaluated: 2023-09-01. Review status: criteria provided, single submitter. Criteria: CeGaT Center For Human Genetics Tuebingen Variant Classification Criteria Version 2. Collection method: clinical testing. Allele origin: germline. Affected: yes. Observed: 1 variant allele. Not counted in ClinVar's aggregate classification.
Comment: HRAS: BP4, BP7

Ambry Genetics
Classification: Likely benign for Cardiovascular phenotype. Last evaluated: 2022-03-04. Review status: criteria provided, single submitter. Criteria: Ambry Variant Classification Scheme 2023. Collection method: clinical testing. Allele origin: germline. Not counted in ClinVar's aggregate classification.

Sema4
Classification: Likely benign for Hereditary cancer-predisposing syndrome. Last evaluated: 2022-01-13. Review status: criteria provided, single submitter. Criteria: Sema4 Curation Guidelines. Collection method: curation. Allele origin: germline. Not counted in ClinVar's aggregate classification.

Genome Diagnostics Laboratory, The Hospital for Sick Children
Classification: Benign for Noonan syndrome and Noonan-related syndrome. Last evaluated: 2018-03-01. Review status: criteria provided, single submitter. Criteria: ACMG Guidelines, 2015. Collection method: clinical testing. Allele origin: germline. Not counted in ClinVar's aggregate classification.

Women's Health and Genetics/Laboratory Corporation of America, LabCorp
Classification: Benign. Last evaluated: 2017-01-23. Review status: criteria provided, single submitter. Criteria: LabCorp Variant Classification Summary - May 2015. Collection method: clinical testing. Allele origin: germline. Not counted in ClinVar's aggregate classification.
Comment: Variant summary: The HRAS c.369C>T (p.Arg123Arg) variant involves the alteration of a non-conserved nucleotide, resulting in a synonymous change. It is 81 nucleotides upstream from exon-intron boundary. 2/5 splice prediction tools predict a creation of cryptic splice donor site. ESE finder predicts that this variant may affect binding of ESE site(s). However, these predictions have yet to be confirmed by functional studies. This variant was found in 13/120964 control chromosomes, exclusively observed in the East Asian subpopulation at a frequency of 0.001505 (13/8638). This frequency is about 602 times the estimated maximal expected allele frequency of a pathogenic HRAS variant (0.0000025), suggesting this is likely a benign polymorphism found primarily in the populations of East Asian origin. In addition, one clinical diagnostic laboratory has classified this variant as likely benign. The variant of interest has not, to our knowledge, been reported in affected individuals via publications and/or reputable databases/clinical diagnostic laboratories. Taken together, this variant is classified as benign.

PreventionGenetics, part of Exact Sciences
Classification: Likely benign. Review status: criteria provided, single submitter. Criteria: ACMG Guidelines, 2015. Collection method: clinical testing. Allele origin: germline. Not counted in ClinVar's aggregate classification.